The following is an entry in ClinVar:

ClinVar aggregate classification (germline): Uncertain significance. Review status: criteria provided, multiple submitters, no conflicts (2 of 4 stars). 5 submissions from 4 submitters: Uncertain significance (5). Last evaluated 2025-07-03.

Conditions:
Ectopia lentis et pupillae. Also called: ECTOPIA LENTIS WITH ECTOPIA OF PUPIL. Identifiers: Orphanet 1885, MedGen C1644196, MONDO:0009153, OMIM 225200.
Inborn genetic diseases. Identifiers: MedGen C0950123, MeSH D030342.
Ectopia lentis 2, isolated, autosomal recessive (ECTOL2). Identifiers: Orphanet 1885, MedGen C3541474, MONDO:0009152, OMIM 225100.

Allele frequency attached by ClinVar (database versions not stated): ExAC 0.00002; gnomAD exomes 0.00002 and 0.00003; gnomAD 0.00003; TOPMed 0.00005.
gnomAD v4.1: 28 of 1,612,472 alleles (0.0017%); highest among the groups gnomAD compares: African/African-American, 0.0067%; no homozygotes.

Submissions (5):

Ambry Genetics
Classification: Uncertain significance for Inborn genetic diseases. Last evaluated: 2025-07-03. Review status: criteria provided, single submitter. Criteria: Ambry Variant Classification Scheme 2023. Collection method: clinical testing. Allele origin: germline.

Genome-Nilou Lab
Classification: Uncertain significance for Ectopia lentis et pupillae. Last evaluated: 2023-04-11. Review status: criteria provided, single submitter. Criteria: ACMG Guidelines, 2015. Collection method: clinical testing. Allele origin: germline. Affected: no.

Genome-Nilou Lab
Classification: Uncertain significance for Ectopia lentis 2, isolated, autosomal recessive. Last evaluated: 2023-04-11. Review status: criteria provided, single submitter. Criteria: ACMG Guidelines, 2015. Collection method: clinical testing. Allele origin: germline. Affected: no.

Labcorp Genetics (formerly Invitae), Labcorp
Classification: Uncertain significance. Last evaluated: 2022-02-28. Review status: criteria provided, single submitter. Criteria: Invitae Variant Classification Sherloc (09022015). Collection method: clinical testing. Allele origin: germline.
Comment: This sequence change replaces glycine, which is neutral and non-polar, with arginine, which is basic and polar, at codon 30 of the ADAMTSL4 protein (p.Gly30Arg). This variant is present in population databases (rs755040821, gnomAD 0.007%). This variant has not been reported in the literature in individuals affected with ADAMTSL4-related conditions. ClinVar contains an entry for this variant (Variation ID: 292516). Algorithms developed to predict the effect of missense changes on protein structure and function output the following: SIFT: "Tolerated"; PolyPhen-2: "Benign"; Align-GVGD: "Class C0". The arginine amino acid residue is found in multiple mammalian species, which suggests that this missense change does not adversely affect protein function. In summary, the available evidence is currently insufficient to determine the role of this variant in disease. Therefore, it has been classified as a Variant of Uncertain Significance.

Illumina Laboratory Services, Illumina
Classification: Uncertain significance for Ectopia lentis 2, isolated, autosomal recessive. Last evaluated: 2018-01-13. Review status: criteria provided, single submitter. Criteria: ICSL Variant Classification Criteria 13 December 2019. Collection method: clinical testing. Allele origin: germline.

NM_019032.6(ADAMTSL4):c.88G>A (p.Gly30Arg)

Genes: ADAMTSL4 (ADAMTS like 4; plus strand), ADAMTSL4-AS2 (ADAMTSL4 antisense RNA 2; minus strand). Cytogenetic location: 1q21.2.
Variant type: single nucleotide variant.
Coding change: c.88G>A on transcript NM_019032.6 (MANE Select); coding-DNA position 88, G replaced by A.
Protein change: p.Gly30Arg; replaces glycine 30 with arginine.
Molecular consequence: missense variant.
Genome position (GRCh38, 1-based): chr1:150,552,907, G>A. VCF-style: chr1-150552907-G-A. GRCh37 (hg19) VCF-style: chr1-150525383-G-A.
Other names: c.88G>A, p.Gly30Arg (NM_001288607.2, NM_001288608.2, NM_001378596.1 and 1 more transcripts); short protein forms G30R.
Identifiers: ClinVar variation 292516 (VCV000292516.9), dbSNP rs755040821, ClinGen allele CA1077873.